The following is an entry in ClinVar:

ClinVar aggregate classification (germline): Likely pathogenic (1 of 4 stars; one submission).

Conditions:
Dilated cardiomyopathy 1G (CMD1G). Identifiers: Orphanet 154, MedGen C1858763, MONDO:0011400, OMIM 604145.
Autosomal recessive limb-girdle muscular dystrophy type 2J (LGMDR10). Also called: Limb-girdle muscular dystrophy, type 2J; MUSCULAR DYSTROPHY, LIMB-GIRDLE, AUTOSOMAL RECESSIVE 10. Identifiers: Orphanet 140922, MedGen C1837342, MONDO:0012127, OMIM 608807.

Submission:

Labcorp Genetics (formerly Invitae), Labcorp
Classification: Likely pathogenic for Dilated cardiomyopathy 1G; Autosomal recessive limb-girdle muscular dystrophy type 2J. Last evaluated: 2023-08-25. Review status: criteria provided, single submitter. Criteria: Invitae Variant Classification Sherloc (09022015). Collection method: clinical testing. Allele origin: germline.
Comment: In summary, the currently available evidence indicates that the variant is pathogenic, but additional data are needed to prove that conclusively. Therefore, this variant has been classified as Likely Pathogenic. This variant is located in the A band of TTN (PMID: 25589632). Truncating variants in this region are significantly overrepresented in patients affected with dilated cardiomyopathy (PMID: 25589632). Truncating variants in this region have also been reported in individuals affected with autosomal recessive centronuclear myopathy (PMID: 23975875). This variant has not been reported in the literature in individuals affected with TTN-related conditions. This variant is not present in population databases (gnomAD no frequency). This sequence change creates a premature translational stop signal (p.Ser21361*) in the TTN gene. While this is not anticipated to result in nonsense mediated decay, it is expected to create a truncated TTN protein.

Literature cited by the submitters: PubMed 25589632; PubMed 23975875.

NM_001267550.2(TTN):c.64082C>A (p.Ser21361Ter)

Genes: TTN-AS1 (TTN antisense RNA 1; plus strand), TTN (titin; minus strand). Cytogenetic location: 2q31.2.
Variant type: single nucleotide variant.
Coding change: c.64082C>A on transcript NM_001267550.2 (MANE Select); coding-DNA position 64082, C replaced by A.
Protein change: p.Ser21361Ter; replaces serine 21361 with a stop codon.
Molecular consequence: nonsense.
Genome position (GRCh38, 1-based): chr2:178,587,129, G>T on the plus strand (C>A on the coding strand, the complement: TTN is on the minus strand). VCF-style: chr2-178587129-G-T. GRCh37 (hg19) VCF-style: chr2-179451856-G-T.
Other names: c.59159C>A, p.Ser19720Ter (NM_001256850.1); c.36887C>A, p.Ser12296Ter (NM_003319.4); c.56378C>A, p.Ser18793Ter (NM_133378.4); c.37262C>A, p.Ser12421Ter (NM_133432.3); c.37463C>A, p.Ser12488Ter (NM_133437.4); short protein forms S12296*, S12421*, S12488*, S19720*, S21361*, S18793*.
Identifiers: ClinVar variation 2951271 (VCV002951271.3), dbSNP rs2469275782, ClinGen allele CA349445995.